The following is an entry in ClinVar:

ClinVar aggregate classification (germline): Uncertain significance (1 of 4 stars; one submission).

Submission:

Labcorp Genetics (formerly Invitae), Labcorp
Classification: Uncertain significance. Last evaluated: 2023-10-03. Review status: criteria provided, single submitter. Criteria: Invitae Variant Classification Sherloc (09022015). Collection method: clinical testing. Allele origin: germline.
Comment: This sequence change replaces asparagine, which is neutral and polar, with tyrosine, which is neutral and polar, at codon 270 of the CEP78 protein (p.Asn270Tyr). This variant is not present in population databases (gnomAD no frequency). This variant has not been reported in the literature in individuals affected with CEP78-related conditions. ClinVar contains an entry for this variant (Variation ID: 2022125). Advanced modeling of protein sequence and biophysical properties (such as structural, functional, and spatial information, amino acid conservation, physicochemical variation, residue mobility, and thermodynamic stability) has been performed at Invitae for this missense variant, however the output from this modeling did not meet the statistical confidence thresholds required to predict the impact of this variant on CEP78 protein function. In summary, the available evidence is currently insufficient to determine the role of this variant in disease. Therefore, it has been classified as a Variant of Uncertain Significance.

NM_001330691.3(CEP78):c.808A>T (p.Asn270Tyr)

Gene: CEP78 (centrosomal protein 78; plus strand). Cytogenetic location: 9q21.2.
Variant type: single nucleotide variant.
Coding change: c.808A>T on transcript NM_001330691.3 (MANE Select); coding-DNA position 808, A replaced by T.
Protein change: p.Asn270Tyr; replaces asparagine 270 with tyrosine.
Molecular consequence: missense variant.
Genome position (GRCh38, 1-based): chr9:78,246,698, A>T. VCF-style: chr9-78246698-A-T. GRCh37 (hg19) VCF-style: chr9-80861614-A-T.
Other names: c.808A>T, p.Asn270Tyr (NM_001098802.3, NM_001330693.3, NM_001330694.2 and 4 more transcripts); short protein forms N270Y.
Identifiers: ClinVar variation 2022125 (VCV002022125.4), dbSNP rs1451435003, ClinGen allele CA373855653.